The following is an entry in ClinVar:

ClinVar aggregate classification (germline): Likely benign (3 of 4 stars; one submission).

Conditions:
Open-angle glaucoma. Identifiers: MedGen C0017612, MONDO:0005338, HP:0012108.

Allele frequency attached by ClinVar (database versions not stated): gnomAD 0.00004; ExAC 0.00006; TOPMed 0.00002.
gnomAD v4.1: 18 of 1,614,232 alleles (0.0011%); highest among the groups gnomAD compares: East Asian, 0.04%; no homozygotes.

Submission:

ClinGen Glaucoma Variant Curation Expert Panel
Classification: Likely benign for Open-angle glaucoma. Last evaluated: 2025-11-12. Review status: reviewed by expert panel. Criteria: ClinGen Glaucoma ACMG Specifications V2.0.0 Approved. Collection method: curation. Allele origin: germline. Inheritance: Autosomal dominant inheritance.
Comment: The c.154A>G variant in MYOC is a missense variant predicted to cause substitution of Serine by Glycine at amino acid 52 (p.Ser52Gly). The highest minor allele frequency of this variant was in the East Asian genetic ancestry group of gnomAD (v4.1.0) = 0.0004010 (18 alleles out of 44,888), which did not meet the PM2_Supporting allele frequency threshold (≤ 0.0001) or the BS1 allele frequency threshold (≥ 0.001). The REVEL score = 0.036, which was within the 0.017-0.183 range for BP4_Moderate, suggesting that the variant does not impact MYOC function. There was no functional evidence predicting a damaging or benign impact of this variant on MYOC function. Although a proband with primary open angle glaucoma had been reported carrying this variant, PM2_Supporting was not met, therefore PS4 did not apply. In summary, this variant met the criteria to receive a score of -2 and to be classified as likely benign (likely benign classification range -2 to -6, adapted from PMID: 32720330) for primary open angle glaucoma based on the ACMG/AMP criteria met, as specified by the ClinGen Glaucoma VCEP (v2.0.0, 5 Dec 2024): BP4_Moderate.

NM_000261.2(MYOC):c.154A>G (p.Ser52Gly)

Gene: MYOC (myocilin; minus strand). Cytogenetic location: 1q24.3.
Variant type: single nucleotide variant.
Coding change: c.154A>G on transcript NM_000261.2 (MANE Select); coding-DNA position 154, A replaced by G.
Protein change: p.Ser52Gly; replaces serine 52 with glycine.
Molecular consequence: missense variant.
Genome position (GRCh38, 1-based): chr1:171,652,458, T>C on the plus strand (A>G on the coding strand, the complement: MYOC is on the minus strand). VCF-style: chr1-171652458-T-C. GRCh37 (hg19) VCF-style: chr1-171621598-T-C.
Other names: NM_000261.2:c.154A>G; short protein forms S52G.
Identifiers: ClinVar variation 2575095 (VCV002575095.2), dbSNP rs748675180, ClinGen allele CA1244318.